The following is an entry in ClinVar:

ClinVar aggregate classification (germline): Uncertain significance (1 of 4 stars; one submission).

Submission:

GeneDx
Classification: Uncertain significance. Last evaluated: 2025-10-30. Review status: criteria provided, single submitter. Criteria: GeneDx Variant Classification Process June 2021. Collection method: clinical testing. Allele origin: germline.
Comment: Not observed at significant frequency in large population cohorts (gnomAD); In-frame deletion of amino acids in a non-repeat region; In silico analysis supports a deleterious effect on protein structure/function; Has not been previously published as pathogenic or benign to our knowledge

NM_138927.4(SON):c.5910_5931delinsG (p.1957SRTPSRR[5])

Gene: SON (SON DNA and RNA binding protein; plus strand). Cytogenetic location: 21q22.11.
Variant type: Indel.
Coding change: c.5910_5931delinsG on transcript NM_138927.4 (MANE Select); coding-DNA positions 5910 to 5931, CAGCCGCACCCCCAGCCGCCGC replaced by G.
Protein change: p.1957SRTPSRR[5].
Molecular consequence: inframe deletion. On other transcripts: non-coding transcript variant (1), intron variant (1).
Genome position (GRCh38, 1-based): chr21:33,555,141-33,555,162, CAGCCGCACCCCCAGCCGCCGC replaced by G. VCF-style: chr21-33555141-CAGCCGCACCCCCAGCCGCCGC-G. GRCh37 (hg19) VCF-style: chr21-34927447-CAGCCGCACCCCCAGCCGCCGC-G.
Other names: c.5910_5931delinsG, p.1957SRTPSRR[5] (NM_001291411.2, NM_032195.3); c.245-2015_245-1994delinsG (NM_001291412.3).
Identifiers: ClinVar variation 3903390 (VCV003903390.2).